The following is an entry in ClinVar:

ClinVar aggregate classification (germline): Uncertain significance (1 of 4 stars; one submission).

Submission:

Labcorp Genetics (formerly Invitae), Labcorp
Classification: Uncertain significance. Last evaluated: 2022-07-25. Review status: criteria provided, single submitter. Criteria: Invitae Variant Classification Sherloc (09022015). Collection method: clinical testing. Allele origin: germline.
Comment: In summary, the available evidence is currently insufficient to determine the role of this variant in disease. Therefore, it has been classified as a Variant of Uncertain Significance. Advanced modeling of protein sequence and biophysical properties (such as structural, functional, and spatial information, amino acid conservation, physicochemical variation, residue mobility, and thermodynamic stability) performed at Invitae indicates that this missense variant is not expected to disrupt GRIN2D protein function. This variant has not been reported in the literature in individuals affected with GRIN2D-related conditions. This variant is not present in population databases (gnomAD no frequency). This sequence change replaces histidine, which is basic and polar, with proline, which is neutral and non-polar, at codon 1302 of the GRIN2D protein (p.His1302Pro).

NM_000836.4(GRIN2D):c.3905A>C (p.His1302Pro)

Gene: GRIN2D (glutamate ionotropic receptor NMDA type subunit 2D; plus strand). Cytogenetic location: 19q13.33.
Variant type: single nucleotide variant.
Coding change: c.3905A>C on transcript NM_000836.4 (MANE Select); coding-DNA position 3905, A replaced by C.
Protein change: p.His1302Pro; replaces histidine 1302 with proline.
Molecular consequence: missense variant.
Genome position (GRCh38, 1-based): chr19:48,443,831, A>C. VCF-style: chr19-48443831-A-C. GRCh37 (hg19) VCF-style: chr19-48947088-A-C.
Other names: short protein forms H1302P.
Identifiers: ClinVar variation 2099699 (VCV002099699.4), dbSNP rs1353875898, ClinGen allele CA406678903.